The following is an entry in ClinVar:

ClinVar aggregate classification (germline): Uncertain significance (1 of 4 stars; one submission).

Submission:

Labcorp Genetics (formerly Invitae), Labcorp
Classification: Uncertain significance. Last evaluated: 2023-02-01. Review status: criteria provided, single submitter. Criteria: Invitae Variant Classification Sherloc (09022015). Collection method: clinical testing. Allele origin: germline.
Comment: In summary, the available evidence is currently insufficient to determine the role of this variant in disease. Therefore, it has been classified as a Variant of Uncertain Significance. Algorithms developed to predict the effect of missense changes on protein structure and function are either unavailable or do not agree on the potential impact of this missense change (SIFT: "Deleterious"; PolyPhen-2: "Possibly Damaging"; Align-GVGD: "Class C0"). This variant has not been reported in the literature in individuals affected with POLE2-related conditions. This variant is not present in population databases (gnomAD no frequency). This sequence change replaces glutamic acid, which is acidic and polar, with valine, which is neutral and non-polar, at codon 145 of the POLE2 protein (p.Glu145Val).

NM_002692.4(POLE2):c.434A>T (p.Glu145Val)

Gene: POLE2 (DNA polymerase epsilon 2, accessory subunit; minus strand). Cytogenetic location: 14q21.3.
Variant type: single nucleotide variant.
Coding change: c.434A>T on transcript NM_002692.4 (MANE Select); coding-DNA position 434, A replaced by T.
Protein change: p.Glu145Val; replaces glutamic acid 145 with valine.
Molecular consequence: missense variant.
Genome position (GRCh38, 1-based): chr14:49,669,582, T>A on the plus strand (A>T on the coding strand, the complement: POLE2 is on the minus strand). VCF-style: chr14-49669582-T-A. GRCh37 (hg19) VCF-style: chr14-50136300-T-A.
Other names: c.356A>T, p.Glu119Val (NM_001197330.2); c.434A>T, p.Glu145Val (NM_001197331.3, NM_001348384.2); c.203A>T, p.Glu68Val (NM_001348385.2); short protein forms E119V, E68V, E145V.
Identifiers: ClinVar variation 2979813 (VCV002979813.3), dbSNP rs2502887877, ClinGen allele CA389609393.